The following is an entry in ClinVar:

ClinVar aggregate classification (germline): Uncertain significance. Review status: criteria provided, multiple submitters, no conflicts (2 of 4 stars). 2 submissions from 2 submitters: Uncertain significance (2). Last evaluated 2025-07-09.

Conditions:
Hereditary cancer-predisposing syndrome. Also called: Neoplastic Syndromes, Hereditary; Hereditary Cancer Syndrome; Hereditary neoplastic syndrome; Tumor predisposition. Identifiers: Orphanet 140162, MedGen C0027672, MeSH D009386, MONDO:0015356.
Gastrointestinal stromal tumor. Also called: Gastrointestinal stromal tumor, somatic; Gastrointestinal stroma tumor. Identifiers: Orphanet 44890, MedGen C0238198, MeSH D046152, MONDO:0011719, OMIM 606764, HP:0100723.

Allele frequency attached by ClinVar (database versions not stated): gnomAD exomes below 0.00001; ExAC 0.00001.
gnomAD v4.1: 1 of 1,614,046 alleles (0.000062%); highest among the groups gnomAD compares: South Asian, 0.0011%; no homozygotes.

Submissions (2):

Ambry Genetics
Classification: Uncertain significance for Hereditary cancer-predisposing syndrome. Last evaluated: 2025-07-09. Review status: criteria provided, single submitter. Criteria: Ambry Variant Classification Scheme 2023. Collection method: clinical testing. Allele origin: germline.
Comment: The p.S1054C variant (also known as c.3161C>G), located in coding exon 22 of the PDGFRA gene, results from a C to G substitution at nucleotide position 3161. The serine at codon 1054 is replaced by cysteine, an amino acid with dissimilar properties. This amino acid position is conserved. In addition, the in silico prediction for this alteration is inconclusive. Based on the available evidence, the clinical significance of this variant remains unclear.

Labcorp Genetics (formerly Invitae), Labcorp
Classification: Uncertain significance for Gastrointestinal stromal tumor. Last evaluated: 2024-10-21. Review status: criteria provided, single submitter. Criteria: Invitae Variant Classification Sherloc (09022015). Collection method: clinical testing. Allele origin: germline.
Comment: This sequence change replaces serine, which is neutral and polar, with cysteine, which is neutral and slightly polar, at codon 1054 of the PDGFRA protein (p.Ser1054Cys). This variant is present in population databases (rs778837386, gnomAD 0.003%). This variant has not been reported in the literature in individuals affected with PDGFRA-related conditions. ClinVar contains an entry for this variant (Variation ID: 1011169). Invitae Evidence Modeling of protein sequence and biophysical properties (such as structural, functional, and spatial information, amino acid conservation, physicochemical variation, residue mobility, and thermodynamic stability) indicates that this missense variant is not expected to disrupt PDGFRA protein function with a negative predictive value of 80%. In summary, the available evidence is currently insufficient to determine the role of this variant in disease. Therefore, it has been classified as a Variant of Uncertain Significance.

NM_006206.6(PDGFRA):c.3161C>G (p.Ser1054Cys)

Gene: PDGFRA (platelet derived growth factor receptor alpha; plus strand). Cytogenetic location: 4q12.
Variant type: single nucleotide variant.
Coding change: c.3161C>G on transcript NM_006206.6 (MANE Select); coding-DNA position 3161, C replaced by G.
Protein change: p.Ser1054Cys; replaces serine 1054 with cysteine.
Molecular consequence: missense variant.
Genome position (GRCh38, 1-based): chr4:54,295,163, C>G. VCF-style: chr4-54295163-C-G. GRCh37 (hg19) VCF-style: chr4-55161330-C-G.
Other names: c.3200C>G, p.Ser1067Cys (NM_001347830.2); c.3161C>G (NM_006206.4); c.3236C>G, p.Ser1079Cys (NM_001347828.2); c.3161C>G, p.Ser1054Cys (NM_001347829.2); short protein forms S1054C, S1067C, S1079C.
Identifiers: ClinVar variation 1011169 (VCV001011169.10), dbSNP rs778837386, ClinGen allele CA2923050.